The following is an entry in ClinVar:

NM_007294.4(BRCA1):c.3043G>A (p.Gly1015Arg)

Gene: BRCA1 (BRCA1 DNA repair associated; minus strand). Cytogenetic location: 17q21.31.
Variant type: single nucleotide variant.
Coding change: c.3043G>A on transcript NM_007294.4 (MANE Select); coding-DNA position 3043, G replaced by A.
Protein change: p.Gly1015Arg; replaces glycine 1015 with arginine.
Molecular consequence: missense variant. On other transcripts: intron variant (137).
Genome position (GRCh38, 1-based): chr17:43,092,488, C>T on the plus strand (G>A on the coding strand, the complement: BRCA1 is on the minus strand). VCF-style: chr17-43092488-C-T. GRCh37 (hg19) VCF-style: chr17-41244505-C-T.
Other names: c.647-1456G>A (NM_001408461.1, NM_001408458.1, NM_001408469.1 and 11 more transcripts); c.284-1456G>A (NM_001408512.1); c.407-1456G>A (NM_001408510.1); c.644-1456G>A (NM_001408470.1, NM_001408464.1, NM_001408468.1 and 3 more transcripts); c.3040G>A, p.Gly1014Arg (NM_001407613.1, NM_001407614.1, NM_001407615.1 and 22 more transcripts); c.3043G>A, p.Gly1015Arg (NM_001407616.1, NM_001407617.1, NM_001407618.1 and 30 more transcripts); c.3034G>A, p.Gly1012Arg (NM_001407646.1, NM_001407647.1); c.2920G>A, p.Gly974Arg (NM_001407648.1, NM_001407664.1, NM_001407665.1 and 19 more transcripts); and 41 more; short protein forms G1012R, G1014R, G1015R, G719R, G847R, G887R, G888R, G903R.
Identifiers: ClinVar variation 3226128 (VCV003226128.1), dbSNP rs2154345642, ClinGen allele CA10595906.
Genomic context (GRCh38, chr17:43,092,488, plus strand): 5'-CATTTTCTCTAATGTTATTACGGCTAATTGTGCTCACTGTACTTGGAATGTTCTCATTTC[C>T]CATTTCTCTTTCAGGTGACATTGAATGTTCCTCAAAGTTTTCCTCTAGCAGATTTTTCTT-3'
Protein context (NP_009225.1, residues 1005-1025): EHSMSPEREM[Gly1015Arg]NENIPSTVST

ClinVar aggregate classification (germline): Uncertain significance (1 of 4 stars; one submission).

Conditions:
Hereditary cancer-predisposing syndrome. Also called: Neoplastic Syndromes, Hereditary; Tumor predisposition; Hereditary neoplastic syndrome; Hereditary Cancer Syndrome. Identifiers: Orphanet 140162, MedGen C0027672, MeSH D009386, MONDO:0015356.

Submission:

Ambry Genetics
Classification: Uncertain significance for Hereditary cancer-predisposing syndrome. Last evaluated: 2024-03-02. Review status: criteria provided, single submitter. Criteria: Ambry Variant Classification Scheme 2023. Collection method: clinical testing. Allele origin: germline.
Comment: The p.G1015R variant (also known as c.3043G>A), located in coding exon 9 of the BRCA1 gene, results from a G to A substitution at nucleotide position 3043. The glycine at codon 1015 is replaced by arginine, an amino acid with dissimilar properties. This amino acid position is conserved. In addition, the in silico prediction for this alteration is inconclusive. Based on the available evidence, the clinical significance of this alteration remains unclear.